The following is an entry in ClinVar:

ClinVar aggregate classification (germline): Uncertain significance (1 of 4 stars; one submission).

Conditions:
ALG1-congenital disorder of glycosylation. Also called: CONGENITAL DISORDER OF GLYCOSYLATION, TYPE Ik; CDG Ik; ALG1-CDG. Identifiers: Orphanet 79327, MedGen C2931005, MONDO:0012052, OMIM 608540.

Allele frequency attached by ClinVar (database versions not stated): gnomAD exomes below 0.00001; gnomAD 0.00001.
gnomAD v4.1: 2 of 1,599,064 alleles (0.00013%); highest among the groups gnomAD compares: Non-Finnish European, 0.000085%; no homozygotes.

Submission:

Labcorp Genetics (formerly Invitae), Labcorp
Classification: Uncertain significance for ALG1-congenital disorder of glycosylation. Last evaluated: 2022-07-27. Review status: criteria provided, single submitter. Criteria: Invitae Variant Classification Sherloc (09022015). Collection method: clinical testing. Allele origin: germline.
Comment: In summary, the available evidence is currently insufficient to determine the role of this variant in disease. Therefore, it has been classified as a Variant of Uncertain Significance. This variant has not been reported in the literature in individuals affected with ALG1-related conditions. The frequency data for this variant in the population databases is considered unreliable, as metrics indicate poor data quality at this position in the gnomAD database. This sequence change replaces aspartic acid, which is acidic and polar, with glutamic acid, which is acidic and polar, at codon 291 of the ALG1 protein (p.Asp291Glu). Advanced modeling of protein sequence and biophysical properties (such as structural, functional, and spatial information, amino acid conservation, physicochemical variation, residue mobility, and thermodynamic stability) performed at Invitae indicates that this missense variant is expected to disrupt ALG1 protein function.

NM_019109.5(ALG1):c.873C>G (p.Asp291Glu)

Gene: ALG1 (ALG1 chitobiosyldiphosphodolichol beta-mannosyltransferase; plus strand). Cytogenetic location: 16p13.3.
Variant type: single nucleotide variant.
Coding change: c.873C>G on transcript NM_019109.5 (MANE Select); coding-DNA position 873, C replaced by G.
Protein change: p.Asp291Glu; replaces aspartic acid 291 with glutamic acid.
Molecular consequence: missense variant.
Genome position (GRCh38, 1-based): chr16:5,079,074, C>G. VCF-style: chr16-5079074-C-G. GRCh37 (hg19) VCF-style: chr16-5129075-C-G.
Other names: c.540C>G, p.Asp180Glu (NM_001330504.2); short protein forms D180E, D291E.
Identifiers: ClinVar variation 1904443 (VCV001904443.5), dbSNP rs1241438792, ClinGen allele CA394681935.